The following is an entry in ClinVar:

ClinVar aggregate classification (germline): Likely pathogenic (1 of 4 stars; one submission).

Submission:

GeneDx
Classification: Likely pathogenic. Last evaluated: 2024-06-21. Review status: criteria provided, single submitter. Criteria: GeneDx Variant Classification Process June 2021. Collection method: clinical testing. Allele origin: germline. Affected: yes.
Comment: Nonsense variant predicted to result in protein truncation or nonsense mediated decay in a gene for which loss of function is a known mechanism of disease; No data available from control populations to assess the frequency of this variant; Has not been previously published as pathogenic or benign to our knowledge

NM_001145026.2(PTPRQ):c.684G>A (p.Trp228Ter)

Gene: PTPRQ (protein tyrosine phosphatase receptor type Q; plus strand). Cytogenetic location: 12q21.31.
Variant type: single nucleotide variant.
Coding change: c.684G>A on transcript NM_001145026.2 (MANE Select); coding-DNA position 684, G replaced by A.
Protein change: p.Trp228Ter; replaces tryptophan 228 with a stop codon.
Molecular consequence: nonsense.
Genome position (GRCh38, 1-based): chr12:80,460,676, G>A. VCF-style: chr12-80460676-G-A. GRCh37 (hg19) VCF-style: chr12-80849501-C-T.
Other names: short protein forms W228*.
Identifiers: ClinVar variation 3391496 (VCV003391496.1).